The following is an entry in ClinVar:

NM_020693.4(DSCAML1):c.1555G>A (p.Gly519Arg)

Gene: DSCAML1 (DS cell adhesion molecule like 1; minus strand). Cytogenetic location: 11q23.3.
Variant type: single nucleotide variant.
Coding change: c.1555G>A on transcript NM_020693.4 (MANE Select); coding-DNA position 1555, G replaced by A.
Protein change: p.Gly519Arg; replaces glycine 519 with arginine.
Molecular consequence: missense variant.
Genome position (GRCh38, 1-based): chr11:117,516,695, C>T on the plus strand (G>A on the coding strand, the complement: DSCAML1 is on the minus strand). VCF-style: chr11-117516695-C-T. GRCh37 (hg19) VCF-style: chr11-117387410-C-T.
Other names: c.1555G>A, p.Gly519Arg (NM_001367904.1); c.1735G>A (NM_020693.2); short protein forms G519R.
Identifiers: ClinVar variation 3629076 (VCV003629076.3).
Genomic context (GRCh38, chr11:117,516,695, plus strand): 5'-ACCACTTGATGGAGTAGTAGGGATAGCCGATGACCCTGCAGTTGATAAGGGTGTCCCGCC[C>T]GGCGACTGCTGTGATGTTCCGCATAGCCCGGATGCTGGGTGGGCCTGGGCAGGAGTCAGA-3'
Protein context (NP_065744.3, residues 509-529): RAMRNITAVA[Gly519Arg]RDTLINCRVI

ClinVar aggregate classification (germline): Uncertain significance. Review status: criteria provided, multiple submitters, no conflicts (2 of 4 stars). 2 submissions from 2 submitters: Uncertain significance (2). Last evaluated 2025-11-26.

gnomAD v4.1: 1 of 1,613,966 alleles (0.000062%); highest among the groups gnomAD compares: Non-Finnish European, 0.000085%; no homozygotes.

Submissions (2):

Ambry Genetics
Classification: Uncertain significance. Last evaluated: 2025-11-26. Review status: criteria provided, single submitter. Criteria: Ambry Variant Classification Scheme 2023. Collection method: clinical testing. Allele origin: germline.

Labcorp Genetics (formerly Invitae), Labcorp
Classification: Uncertain significance. Last evaluated: 2024-09-24. Review status: criteria provided, single submitter. Criteria: Invitae Variant Classification Sherloc (09022015). Collection method: clinical testing. Allele origin: germline.
Comment: This sequence change replaces glycine, which is neutral and non-polar, with arginine, which is basic and polar, at codon 579 of the DSCAML1 protein (p.Gly579Arg). This variant is not present in population databases (gnomAD no frequency). This variant has not been reported in the literature in individuals affected with DSCAML1-related conditions. An algorithm developed to predict the effect of missense changes on protein structure and function (PolyPhen-2) suggests that this variant is likely to be disruptive. In summary, the available evidence is currently insufficient to determine the role of this variant in disease. Therefore, it has been classified as a Variant of Uncertain Significance.